The following is an entry in ClinVar:

ClinVar aggregate classification (germline): Uncertain significance. Review status: criteria provided, multiple submitters, no conflicts (2 of 4 stars). 3 submissions from 3 submitters: Uncertain significance (3). Last evaluated 2026-04-14.

Conditions:
CNGB1-related disorder. Also called: CNGB1-related condition.

Allele frequency attached by ClinVar (database versions not stated): ExAC 0.00001; gnomAD exomes 0.00001.
gnomAD v4.1: 4 of 1,614,188 alleles (0.00025%); highest among the groups gnomAD compares: Non-Finnish European, 0.00034%; no homozygotes.

Submissions (3):

PreventionGenetics, part of Exact Sciences
Classification: Uncertain significance for CNGB1-related condition. Last evaluated: 2026-04-14. Review status: criteria provided, single submitter. Criteria: ACMG Guidelines, 2015. Collection method: clinical testing. Allele origin: germline.
Comment: The CNGB1 c.2503T>C variant is predicted to result in the amino acid substitution p.Cys835Arg. To our knowledge, this variant has not been reported in the literature. This variant is reported in 0.0018% of alleles in individuals of European (Non-Finnish) descent in gnomAD. At this time, the clinical significance of this variant is uncertain due to the absence of conclusive functional and genetic evidence.

Blueprint Genetics
Classification: Uncertain significance. Last evaluated: 2023-03-28. Review status: criteria provided, single submitter. Criteria: ACMG Guidelines, 2015. Collection method: clinical testing. Allele origin: germline.

Labcorp Genetics (formerly Invitae), Labcorp
Classification: Uncertain significance. Last evaluated: 2022-07-20. Review status: criteria provided, single submitter. Criteria: Invitae Variant Classification Sherloc (09022015). Collection method: clinical testing. Allele origin: germline.
Comment: In summary, the available evidence is currently insufficient to determine the role of this variant in disease. Therefore, it has been classified as a Variant of Uncertain Significance. Advanced modeling of protein sequence and biophysical properties (such as structural, functional, and spatial information, amino acid conservation, physicochemical variation, residue mobility, and thermodynamic stability) performed at Invitae indicates that this missense variant is expected to disrupt CNGB1 protein function. ClinVar contains an entry for this variant (Variation ID: 846486). This variant has not been reported in the literature in individuals affected with CNGB1-related conditions. This variant is present in population databases (rs773377435, gnomAD 0.002%). This sequence change replaces cysteine, which is neutral and slightly polar, with arginine, which is basic and polar, at codon 835 of the CNGB1 protein (p.Cys835Arg).

NM_001297.5(CNGB1):c.2503T>C (p.Cys835Arg)

Gene: CNGB1 (cyclic nucleotide gated channel subunit beta 1; minus strand). Cytogenetic location: 16q21.
Variant type: single nucleotide variant.
Coding change: c.2503T>C on transcript NM_001297.5 (MANE Select); coding-DNA position 2503, T replaced by C.
Protein change: p.Cys835Arg; replaces cysteine 835 with arginine.
Molecular consequence: missense variant.
Genome position (GRCh38, 1-based): chr16:57,904,865, A>G on the plus strand (T>C on the coding strand, the complement: CNGB1 is on the minus strand). VCF-style: chr16-57904865-A-G. GRCh37 (hg19) VCF-style: chr16-57938769-A-G.
Other names: c.2485T>C, p.Cys829Arg (NM_001286130.2); short protein forms C829R, C835R.
Identifiers: ClinVar variation 846486 (VCV000846486.9), dbSNP rs773377435, ClinGen allele CA8082950.